The following is an entry in ClinVar:

ClinVar aggregate classification (germline): Uncertain significance (1 of 4 stars; one submission).

gnomAD v4.1: 8 of 1,613,738 alleles (0.0005%); highest among the groups gnomAD compares: African/African-American, 0.011%; no homozygotes.

Submission:

Labcorp Genetics (formerly Invitae), Labcorp
Classification: Uncertain significance. Last evaluated: 2025-04-07. Review status: criteria provided, single submitter. Criteria: Invitae Variant Classification Sherloc (09022015). Collection method: clinical testing. Allele origin: germline.
Comment: This sequence change replaces serine, which is neutral and polar, with cysteine, which is neutral and slightly polar, at codon 3634 of the MACF1 protein (p.Ser3634Cys). This variant is present in population databases (no rsID available, gnomAD 0.01%). This variant has not been reported in the literature in individuals affected with MACF1-related conditions. An algorithm developed to predict the effect of missense changes on protein structure and function (PolyPhen-2) suggests that this variant is likely to be disruptive. In summary, the available evidence is currently insufficient to determine the role of this variant in disease. Therefore, it has been classified as a Variant of Uncertain Significance.

NM_001394062.1(MACF1):c.17087C>G (p.Ser5696Cys)

Gene: MACF1 (microtubule actin crosslinking factor 1; plus strand). Cytogenetic location: 1p34.3.
Variant type: single nucleotide variant.
Coding change: c.17087C>G on transcript NM_001394062.1 (MANE Select); coding-DNA position 17087, C replaced by G.
Protein change: p.Ser5696Cys; replaces serine 5696 with cysteine.
Molecular consequence: missense variant.
Genome position (GRCh38, 1-based): chr1:39,430,025, C>G. VCF-style: chr1-39430025-C-G. GRCh37 (hg19) VCF-style: chr1-39895697-C-G.
Other names: c.5156C>G, p.Ser1719Cys (NM_001397473.1); c.10901C>G, p.Ser3634Cys (NM_012090.5); short protein forms S1719C, S3634C, S5696C.
Identifiers: ClinVar variation 4772671 (VCV004772671.1).